The following is an entry in ClinVar:

NM_006033.4(LIPG):c.1486A>G (p.Thr496Ala)

Gene: LIPG (lipase G, endothelial type; plus strand). Cytogenetic location: 18q21.1.
Variant type: single nucleotide variant.
Coding change: c.1486A>G on transcript NM_006033.4 (MANE Select); coding-DNA position 1486, A replaced by G.
Protein change: p.Thr496Ala; replaces threonine 496 with alanine.
Molecular consequence: missense variant.
Genome position (GRCh38, 1-based): chr18:49,590,505, A>G. VCF-style: chr18-49590505-A-G. GRCh37 (hg19) VCF-style: chr18-47116875-A-G.
Other names: c.1264A>G, p.Thr422Ala (NM_001308006.2); short protein forms T422A, T496A.
Identifiers: ClinVar variation 2138151 (VCV002138151.4), dbSNP rs749878075, ClinGen allele CA8959435.

ClinVar aggregate classification (germline): Uncertain significance (1 of 4 stars; one submission).

Allele frequency attached by ClinVar (database versions not stated): gnomAD 0.00001; TOPMed 0.00001; ExAC 0.00003.
gnomAD v4.1: 19 of 1,602,686 alleles (0.0012%); highest among the groups gnomAD compares: Admixed American, 0.0051%; no homozygotes.

Submission:

Labcorp Genetics (formerly Invitae), Labcorp
Classification: Uncertain significance. Last evaluated: 2022-09-05. Review status: criteria provided, single submitter. Criteria: Invitae Variant Classification Sherloc (09022015). Collection method: clinical testing. Allele origin: germline.
Comment: In summary, the available evidence is currently insufficient to determine the role of this variant in disease. Therefore, it has been classified as a Variant of Uncertain Significance. Algorithms developed to predict the effect of missense changes on protein structure and function output the following: SIFT: "Tolerated"; PolyPhen-2: "Benign"; Align-GVGD: "Class C0". The alanine amino acid residue is found in multiple mammalian species, which suggests that this missense change does not adversely affect protein function. This variant has not been reported in the literature in individuals affected with LIPG-related conditions. This variant is present in population databases (rs749878075, gnomAD 0.003%). This sequence change replaces threonine, which is neutral and polar, with alanine, which is neutral and non-polar, at codon 496 of the LIPG protein (p.Thr496Ala).